The following is an entry in ClinVar:

ClinVar aggregate classification (germline): Benign/Likely benign. Review status: criteria provided, multiple submitters, no conflicts (2 of 4 stars). 2 submissions from 2 submitters: Benign (1); Likely benign (1). Last evaluated 2025-01-21.

Conditions:
Familial cancer of breast. Also called: BREAST CANCER, FAMILIAL; hereditary breast carcinoma; Hereditary breast cancer. Identifiers: Orphanet 227535, MedGen C0346153, MONDO:0016419, OMIM 114480. Disease mechanism: loss of function.

Submissions (2):

Myriad Genetics, Inc.
Classification: Benign for Familial cancer of breast. Last evaluated: 2025-01-21. Review status: criteria provided, single submitter. Criteria: Myriad Autosomal Dominant, Autosomal Recessive and X-Linked Classification Criteria (2023). Collection method: clinical testing. Allele origin: unknown.
Comment: This variant is considered benign. This variant is a silent/synonymous amino acid change and it is not expected to impact splicing.

Labcorp Genetics (formerly Invitae), Labcorp
Classification: Likely benign for Familial cancer of breast. Last evaluated: 2023-09-18. Review status: criteria provided, single submitter. Criteria: Invitae Variant Classification Sherloc (09022015). Collection method: clinical testing. Allele origin: germline.

NM_024675.4(PALB2):c.3036T>G (p.Thr1012=)

Gene: PALB2 (partner and localizer of BRCA2; minus strand). Cytogenetic location: 16p12.2.
Variant type: single nucleotide variant.
Coding change: c.3036T>G on transcript NM_024675.4 (MANE Select); coding-DNA position 3036, T replaced by G.
Protein change: p.Thr1012=; no amino-acid change (threonine 1012 retained).
Molecular consequence: synonymous variant.
Genome position (GRCh38, 1-based): chr16:23,621,439, A>C on the plus strand (T>G on the coding strand, the complement: PALB2 is on the minus strand). VCF-style: chr16-23621439-A-C. GRCh37 (hg19) VCF-style: chr16-23632760-A-C.
Identifiers: ClinVar variation 765068 (VCV000765068.10), dbSNP rs1597079832, ClinGen allele CA494180178.